The following is an entry in ClinVar:

NM_000388.4(CASR):c.2005A>C (p.Ile669Leu)

Gene: CASR (calcium sensing receptor; plus strand). Cytogenetic location: 3q21.1.
Variant type: single nucleotide variant.
Coding change: c.2005A>C on transcript NM_000388.4 (MANE Select); coding-DNA position 2005, A replaced by C.
Protein change: p.Ile669Leu; replaces isoleucine 669 with leucine.
Molecular consequence: missense variant.
Genome position (GRCh38, 1-based): chr3:122,283,959, A>C. VCF-style: chr3-122283959-A-C. GRCh37 (hg19) VCF-style: chr3-122002806-A-C.
Other names: c.2035A>C, p.Ile679Leu (NM_001178065.2); short protein forms I669L, I679L.
Identifiers: ClinVar variation 836335 (VCV000836335.10), dbSNP rs1576877284, ClinGen allele CA354158285.
Genomic context (GRCh38, chr3:122,283,959, plus strand): 5'-GAGCTCTCCTACCTCCTCCTCTTCTCCCTGCTCTGCTGCTTCTCCAGCTCCCTGTTCTTC[A>C]TCGGGGAGCCCCAGGACTGGACGTGCCGCCTGCGCCAGCCGGCCTTTGGCATCAGCTTCG-3'
Protein context (NP_000379.3, residues 659-679): LCCFSSSLFF[Ile669Leu]GEPQDWTCRL

ClinVar aggregate classification (germline): Uncertain significance (1 of 4 stars; one submission).

Conditions:
Autosomal dominant hypocalcemia 1 (HYPOC1). Also called: HYPOCALCEMIA, FAMILIAL. Identifiers: MedGen C3715128, MONDO:0011013, OMIM 601198.
Familial hypocalciuric hypercalcemia (FHH). Also called: Familial benign hypercalcemia. Identifiers: Orphanet 405, MedGen C1809471, MONDO:0018458.

Submission:

Labcorp Genetics (formerly Invitae), Labcorp
Classification: Uncertain significance for Familial hypocalciuric hypercalcemia; Autosomal dominant hypocalcemia 1. Last evaluated: 2022-08-10. Review status: criteria provided, single submitter. Criteria: Invitae Variant Classification Sherloc (09022015). Collection method: clinical testing. Allele origin: germline.
Comment: ClinVar contains an entry for this variant (Variation ID: 836335). In summary, the available evidence is currently insufficient to determine the role of this variant in disease. Therefore, it has been classified as a Variant of Uncertain Significance. Algorithms developed to predict the effect of missense changes on protein structure and function (SIFT, PolyPhen-2, Align-GVGD) all suggest that this variant is likely to be tolerated. This variant has not been reported in the literature in individuals affected with CASR-related conditions. This variant is not present in population databases (gnomAD no frequency). This sequence change replaces isoleucine, which is neutral and non-polar, with leucine, which is neutral and non-polar, at codon 669 of the CASR protein (p.Ile669Leu).